The following is an entry in ClinVar:

NM_004082.5(DCTN1):c.3145C>T (p.Arg1049Trp)

Gene: DCTN1 (dynactin subunit 1; minus strand). Cytogenetic location: 2p13.1.
Variant type: single nucleotide variant.
Coding change: c.3145C>T on transcript NM_004082.5 (MANE Select); coding-DNA position 3145, C replaced by T.
Protein change: p.Arg1049Trp; replaces arginine 1049 with tryptophan.
Molecular consequence: missense variant. On other transcripts: non-coding transcript variant (1).
Genome position (GRCh38, 1-based): chr2:74,365,126, G>A on the plus strand (C>T on the coding strand, the complement: DCTN1 is on the minus strand). VCF-style: chr2-74365126-G-A. GRCh37 (hg19) VCF-style: chr2-74592253-G-A.
Other names: c.3085C>T, p.Arg1029Trp (NM_001135040.3); c.2743C>T, p.Arg915Trp (NM_001135041.3, NM_023019.4); c.3034C>T, p.Arg1012Trp (NM_001190836.2); c.3124C>T, p.Arg1042Trp (NM_001190837.2); c.3094C>T, p.Arg1032Trp (NM_001378991.1); c.3076C>T, p.Arg1026Trp (NM_001378992.1); short protein forms R1012W, R1026W, R1029W, R1032W, R1042W, R1049W, R915W.
Identifiers: ClinVar variation 994029 (VCV000994029.39), dbSNP rs573012389, ClinGen allele CA1721616.

ClinVar aggregate classification (germline): Uncertain significance. Review status: criteria provided, multiple submitters, no conflicts (2 of 4 stars). 3 submissions from 3 submitters: Uncertain significance (3). Last evaluated 2023-11-08.

Conditions:
Neuronopathy, distal hereditary motor, type 7B. Also called: NEURONOPATHY, DISTAL HEREDITARY MOTOR, AUTOSOMAL DOMINANT 14; NEURONOPATHY, DISTAL HEREDITARY MOTOR, HARDING TYPE VIIB; NEUROPATHY, DISTAL HEREDITARY MOTOR, HARDING TYPE VIIB; NEUROPATHY, DISTAL HEREDITARY MOTOR, WITH VOCAL CORD PARALYSIS, HARDING TYPE VIIB; Distal Hereditary Motor Neuronopathy Type 7B (dHMN7B); HMN VIIB. Identifiers: Orphanet 139589, MedGen C1843315, MONDO:0011879, OMIM 607641.
Perry syndrome. Also called: PARKINSONISM WITH ALVEOLAR HYPOVENTILATION AND MENTAL DEPRESSION. Identifiers: Orphanet 178509, MedGen C1868594, MONDO:0008201, OMIM 168605.
Amyotrophic lateral sclerosis type 1 (ALS1). Also called: AMYOTROPHIC LATERAL SCLEROSIS 1, FAMILIAL. Identifiers: Orphanet 803, MedGen C1862939, MONDO:0007103, OMIM 105400.

Allele frequency attached by ClinVar (database versions not stated): gnomAD exomes 0.00001; ExAC 0.00002; gnomAD 0.00002 and 0.00003; TOPMed 0.00003; 1000 Genomes Project 30x 0.00016; 1000 Genomes Project 0.00020.
gnomAD v4.1: 26 of 1,614,160 alleles (0.0016%); highest among the groups gnomAD compares: East Asian, 0.0022%; no homozygotes.

Submissions (3):

Labcorp Genetics (formerly Invitae), Labcorp
Classification: Uncertain significance for Amyotrophic lateral sclerosis type 1; Neuronopathy, distal hereditary motor, type 7B; Perry syndrome. Last evaluated: 2023-11-08. Review status: criteria provided, single submitter. Criteria: Invitae Variant Classification Sherloc (09022015). Collection method: clinical testing. Allele origin: germline.
Comment: This sequence change replaces arginine, which is basic and polar, with tryptophan, which is neutral and slightly polar, at codon 1049 of the DCTN1 protein (p.Arg1049Trp). This variant is present in population databases (rs573012389, gnomAD 0.01%). This missense change has been observed in individuals with amyotrophic lateral sclerosis (PMID: 28792508; Invitae). ClinVar contains an entry for this variant (Variation ID: 994029). Advanced modeling of protein sequence and biophysical properties (such as structural, functional, and spatial information, amino acid conservation, physicochemical variation, residue mobility, and thermodynamic stability) performed at Invitae indicates that this missense variant is expected to disrupt DCTN1 protein function with a positive predictive value of 80%. In summary, the available evidence is currently insufficient to determine the role of this variant in disease. Therefore, it has been classified as a Variant of Uncertain Significance.

CeGaT Center for Human Genetics Tuebingen
Classification: Uncertain significance. Last evaluated: 2023-03-01. Review status: criteria provided, single submitter. Criteria: CeGaT Center For Human Genetics Tuebingen Variant Classification Criteria Version 2. Collection method: clinical testing. Allele origin: germline. Affected: yes. Observed: 1 variant allele.
Comment: DCTN1: PM2

ARUP Laboratories, Molecular Genetics and Genomics, ARUP Laboratories
Classification: Uncertain significance. Last evaluated: 2019-09-17. Review status: criteria provided, single submitter. Criteria: ARUP Molecular Germline Variant Investigation Process. Collection method: clinical testing. Allele origin: germline.
Comment: The DCTN1 c.3145C>T; p.Arg1049Trp variant (rs573012389), to our knowledge, is not reported in the medical literature or gene specific databases. This variant is only observed on three alleles in the Genome Aggregation Database, indicating it is not a common polymorphism. The arginine at codon 1049 is highly conserved, and computational analyses (SIFT: tolerated, PolyPhen-2: possibly damaging) predict conflicting effects of this variant on protein structure/function. Due to limited information, the clinical significance of the p.Arg1049Trp variant is uncertain at this time.

Literature cited by the submitters: PubMed 28792508 (cited by Labcorp Genetics (formerly Invitae), Labcorp).